The following is an entry in ClinVar:

ClinVar aggregate classification (germline): Uncertain significance (1 of 4 stars; one submission).

Conditions:
Intellectual disability-facial dysmorphism syndrome due to SETD5 haploinsufficiency (MRD23). Also called: Intellectual developmental disorder, autosomal dominant 23. Identifiers: Orphanet 404440, MedGen C3810406, MONDO:0014336, OMIM 615761.

Submission:

Laboratorio de Genetica e Diagnostico Molecular, Hospital Israelita Albert Einstein
Classification: Uncertain significance for Intellectual disability-facial dysmorphism syndrome due to SETD5 haploinsufficiency. Last evaluated: 2023-08-31. Review status: criteria provided, single submitter. Criteria: ACMG Guidelines, 2015. Collection method: clinical testing. Allele origin: germline. Affected: yes.
Comment: ACMG classification criteria: PM2 moderate

NM_001080517.3(SETD5):c.2706C>G (p.Asn902Lys)

Gene: SETD5 (SET domain containing 5; plus strand). Cytogenetic location: 3p25.3.
Variant type: single nucleotide variant.
Coding change: c.2706C>G on transcript NM_001080517.3 (MANE Select); coding-DNA position 2706, C replaced by G.
Protein change: p.Asn902Lys; replaces asparagine 902 with lysine.
Molecular consequence: missense variant.
Genome position (GRCh38, 1-based): chr3:9,464,654, C>G. VCF-style: chr3-9464654-C-G. GRCh37 (hg19) VCF-style: chr3-9506338-C-G.
Other names: c.2745C>G, p.Asn915Lys (NM_001437701.1); c.2412C>G, p.Asn804Lys (NM_001292043.2, NM_001349451.2); c.2802C>G, p.Asn934Lys (NM_001437633.1); c.2763C>G, p.Asn921Lys (NM_001437635.1); c.2706C>G, p.Asn902Lys (NM_001437643.1); short protein forms N804K, N902K, N915K, N921K, N934K.
Identifiers: ClinVar variation 4076165 (VCV004076165.1).
Genomic context (GRCh38, chr3:9,464,654, plus strand): 5'-AAATGGATACAGCCTCATGTTTTCACCAGTCACATCTCTTACTACTGCTAGTCGCTGCAA[C>G]ACTCCTCTACAGTTTGAGGTGATTTGGGTTTGGTTGCTGGGAGTGCTGGATATGAAAATC-3'
Protein context (NP_001073986.1, residues 892-912): VTSLTTASRC[Asn902Lys]TPLQFELCHR